The following is an entry in ClinVar:

ClinVar aggregate classification (germline): Conflicting classifications of pathogenicity. Review status: criteria provided, conflicting classifications (1 of 4 stars). 2 submissions from 2 submitters: Uncertain significance (1); Likely benign (1). Last evaluated 2026-01-23.

Conditions:
OTOF-related disorder. Also called: OTOF-related condition.

Submissions (2):

PreventionGenetics, part of Exact Sciences
Classification: Likely benign for OTOF-related condition. Last evaluated: 2026-01-23. Review status: criteria provided, single submitter. Criteria: ACMG Guidelines, 2015. Collection method: clinical testing. Allele origin: germline.
Comment: This variant is classified as likely benign based on ACMG/AMP sequence variant interpretation guidelines (Richards et al. 2015 PMID: 25741868, with internal and published modifications).

Women's Health and Genetics/Laboratory Corporation of America, LabCorp
Classification: Uncertain significance. Last evaluated: 2024-07-28. Review status: criteria provided, single submitter. Criteria: LabCorp Variant Classification Summary - May 2015. Collection method: clinical testing. Allele origin: germline.

NM_194248.3(OTOF):c.2866+6_2866+9del

Gene: OTOF (otoferlin; minus strand). Cytogenetic location: 2p23.3.
Variant type: Microsatellite.
Coding change: c.2866+6_2866+9del on transcript NM_194248.3 (MANE Select); bases 6 to 9 of the intron after coding-DNA position 2866, 4 bases deleted (TGAG; older notation c.2866+6_2866+9delTGAG).
Molecular consequence: splice donor variant.
Genome position (GRCh38, 1-based): chr2:26,476,119-26,476,122, CTCA deleted on the plus strand (TGAG on the coding strand, the reverse complement: OTOF is on the minus strand); deleting any 4 consecutive bases within chr2:26,476,119-26,476,128 gives the same sequence; the c. name uses the placement nearest the transcript's 3' end. VCF-style (leftmost placement, unchanged base first): chr2-26476118-CCTCA-C. GRCh37 (hg19) VCF-style: chr2-26698986-CCTCA-C.
Other names: c.2866+6_2866+9delTGAG (NM_194248.3, NM_194248.2); c.2866+6_2866+9del (NM_001287489.2); c.625+6_625+9del (NM_194323.3, NM_004802.4); c.796+6_796+9del (NM_194322.3).
Identifiers: ClinVar variation 3339298 (VCV003339298.2).
Genomic context (GRCh38, chr2:26,476,118, plus strand): 5'-GAGGTTCCAGGATGGGCAGCCCCTCCGGCCCCCTCCCAGGTGAGGCTTCGAGTGAGGGGT[CCTCA>C]CTCACTGGTGTAGACCAGGCTGACGGGTGGGAAGGCATGCAGGCCCAGGCCCTGGGCTGC-3'